The following is an entry in ClinVar:

NM_001374736.1(DST):c.20189C>T (p.Pro6730Leu)

Gene: DST (dystonin; minus strand). Cytogenetic location: 6p12.1.
Variant type: single nucleotide variant.
Coding change: c.20189C>T on transcript NM_001374736.1 (MANE Select); coding-DNA position 20189, C replaced by T.
Protein change: p.Pro6730Leu; replaces proline 6730 with leucine.
Molecular consequence: missense variant.
Genome position (GRCh38, 1-based): chr6:56,497,413, G>A on the plus strand (C>T on the coding strand, the complement: DST is on the minus strand). VCF-style: chr6-56497413-G-A. GRCh37 (hg19) VCF-style: chr6-56362211-G-A.
Other names: c.13832C>T, p.Pro4611Leu (NM_001144769.5); c.13418C>T, p.Pro4473Leu (NM_001144770.2); c.20189C>T, p.Pro6730Leu (NM_001374722.1); c.19229C>T, p.Pro6410Leu (NM_001374729.1); c.12971C>T, p.Pro4324Leu (NM_001374730.1); c.20216C>T, p.Pro6739Leu (NM_001374734.1); c.13298C>T, p.Pro4433Leu (NM_001386100.1, NM_183380.4); c.12320C>T, p.Pro4107Leu (NM_015548.5); short protein forms P4107L, P4324L, P4433L, P6730L, P4473L, P6410L, P4611L, P6739L.
Identifiers: ClinVar variation 1479950 (VCV001479950.6), dbSNP rs776871988, ClinGen allele CA3866820.

ClinVar aggregate classification (germline): Uncertain significance (1 of 4 stars; one submission).

Conditions:
Hereditary sensory and autonomic neuropathy type 6. Also called: Neuropathy, hereditary sensory and autonomic, type VI; HSAN VI. Identifiers: Orphanet 314381, MedGen C3539003, MONDO:0013839, OMIM 614653.
Epidermolysis bullosa simplex 3, localized or generalized intermediate, with BP230 deficiency (EBS3). Also called: Epidermolysis bullosa simplex due to BP230 deficiency; Epidermolysis bullosa simplex, autosomal recessive 2. Identifiers: Orphanet 412181, MedGen C3809470, MONDO:0014180, OMIM 615425.

Allele frequency attached by ClinVar (database versions not stated): gnomAD 0.00001; gnomAD exomes 0.00001 and 0.00002; ExAC 0.00002; TOPMed 0.00003.
gnomAD v4.1: 14 of 1,612,850 alleles (0.00087%); highest among the groups gnomAD compares: Admixed American, 0.0033%; no homozygotes.

Submission:

Labcorp Genetics (formerly Invitae), Labcorp
Classification: Uncertain significance for Epidermolysis bullosa simplex 3, localized or generalized intermediate, with BP230 deficiency; Hereditary sensory and autonomic neuropathy type 6. Last evaluated: 2022-03-08. Review status: criteria provided, single submitter. Criteria: Invitae Variant Classification Sherloc (09022015). Collection method: clinical testing. Allele origin: germline.
Comment: In summary, the available evidence is currently insufficient to determine the role of this variant in disease. Therefore, it has been classified as a Variant of Uncertain Significance. Experimental studies and prediction algorithms are not available or were not evaluated, and the functional significance of this variant is currently unknown. This variant has not been reported in the literature in individuals affected with DST-related conditions. This variant is present in population databases (rs776871988, gnomAD 0.006%). This sequence change replaces proline, which is neutral and non-polar, with leucine, which is neutral and non-polar, at codon 4107 of the DST protein (p.Pro4107Leu). The DST gene has multiple clinically relevant transcripts. This variant occurs in alternate transcript NM_015548.4, and corresponds to NM_001723.5:c.*118104C>T in the primary transcript.